The following is an entry in ClinVar:

ClinVar aggregate classification (germline): Uncertain significance (1 of 4 stars; one submission).

gnomAD v4.1: 1 of 1,612,986 alleles (0.000062%); highest among the groups gnomAD compares: Non-Finnish European, 0.000085%; no homozygotes.

Submission:

Labcorp Genetics (formerly Invitae), Labcorp
Classification: Uncertain significance. Last evaluated: 2023-08-07. Review status: criteria provided, single submitter. Criteria: Invitae Variant Classification Sherloc (09022015). Collection method: clinical testing. Allele origin: germline.
Comment: In summary, the available evidence is currently insufficient to determine the role of this variant in disease. Therefore, it has been classified as a Variant of Uncertain Significance. Advanced modeling of protein sequence and biophysical properties (such as structural, functional, and spatial information, amino acid conservation, physicochemical variation, residue mobility, and thermodynamic stability) performed at Invitae indicates that this missense variant is not expected to disrupt NSD1 protein function. This variant has not been reported in the literature in individuals affected with NSD1-related conditions. This variant is not present in population databases (gnomAD no frequency). This sequence change replaces lysine, which is basic and polar, with threonine, which is neutral and polar, at codon 2482 of the NSD1 protein (p.Lys2482Thr).

NM_022455.5(NSD1):c.7445A>C (p.Lys2482Thr)

Gene: NSD1 (nuclear receptor binding SET domain protein 1; plus strand). Cytogenetic location: 5q35.3.
Variant type: single nucleotide variant.
Coding change: c.7445A>C on transcript NM_022455.5 (MANE Select); coding-DNA position 7445, A replaced by C.
Protein change: p.Lys2482Thr; replaces lysine 2482 with threonine.
Molecular consequence: missense variant.
Genome position (GRCh38, 1-based): chr5:177,294,813, A>C. VCF-style: chr5-177294813-A-C. GRCh37 (hg19) VCF-style: chr5-176721814-A-C.
Other names: c.6572A>C, p.Lys2191Thr (NM_001409308.1, NM_172349.5, NM_001365684.2); c.6323A>C, p.Lys2108Thr (NM_001409309.1); c.7445A>C, p.Lys2482Thr (NM_001409301.1, NM_001409302.1, NM_001409303.1); c.7025A>C, p.Lys2342Thr (NM_001409304.1); c.6692A>C, p.Lys2231Thr (NM_001409305.1); c.6683A>C, p.Lys2228Thr (NM_001409306.1, NM_001409307.1); short protein forms K2108T, K2191T, K2482T, K2228T, K2231T, K2342T.
Identifiers: ClinVar variation 3671351 (VCV003671351.2).